The following is an entry in ClinVar:

ClinVar aggregate classification (germline): Uncertain significance (1 of 4 stars; one submission).

Conditions:
Hereditary cancer-predisposing syndrome. Also called: Neoplastic Syndromes, Hereditary; Tumor predisposition; Hereditary Cancer Syndrome; Hereditary neoplastic syndrome. Identifiers: Orphanet 140162, MedGen C0027672, MeSH D009386, MONDO:0015356.

Submission:

Ambry Genetics
Classification: Uncertain significance for Hereditary cancer-predisposing syndrome. Last evaluated: 2026-04-16. Review status: criteria provided, single submitter. Criteria: Ambry Variant Classification Scheme 2023. Collection method: clinical testing. Allele origin: germline.
Comment: The p.D701A variant (also known as c.2102A>C), located in coding exon 20 of the RB1 gene, results from an A to C substitution at nucleotide position 2102. The aspartic acid at codon 701 is replaced by alanine, an amino acid with dissimilar properties. This amino acid position is highly conserved in available vertebrate species. In addition, this alteration is predicted to be deleterious by in silico analysis. Based on the available evidence, the clinical significance of this variant remains unclear.

NM_000321.3(RB1):c.2102A>C (p.Asp701Ala)

Gene: RB1 (RB transcriptional corepressor 1; plus strand). Cytogenetic location: 13q14.2.
Variant type: single nucleotide variant.
Coding change: c.2102A>C on transcript NM_000321.3 (MANE Select); coding-DNA position 2102, A replaced by C.
Protein change: p.Asp701Ala; replaces aspartic acid 701 with alanine.
Molecular consequence: missense variant.
Genome position (GRCh38, 1-based): chr13:48,459,829, A>C. VCF-style: chr13-48459829-A-C. GRCh37 (hg19) VCF-style: chr13-49033965-A-C.
Other names: c.2102A>C, p.Asp701Ala (NM_001407165.1); short protein forms D701A.
Identifiers: ClinVar variation 1785934 (VCV001785934.3), dbSNP rs2542368638, ClinGen allele CA388166971.